The following is an entry in ClinVar:

ClinVar aggregate classification (germline): Uncertain significance (1 of 4 stars; one submission).

Submission:

ISCA site 15
Classification: Uncertain significance. Last evaluated: 2011-08-12. Review status: criteria provided, single submitter. Criteria: Kaminsky et al. (Genet Med. 2011). Collection method: clinical testing. Allele origin: unknown. Affected: yes. Observed: 1 variant allele.
Comment: Copy number variation identified through the course of routine clinical cytogenomic testing in postnatal populations. Clinical assertions have been curated as described in Kaminsky et al. 2011.

GRCh38/hg38 21q22.11(chr21:31152676-31547770)x1

Genes: TIAM1 (TIAM Rac1 associated GEF 1; minus strand), LOC125418059 (Sharpr-MPRA regulatory region 15669; plus strand), LOC126653340 (MED14-independent group 3 enhancer GRCh37_chr21:32710674-32711873; plus strand), LOC126653341 (CDK7 strongly-dependent group 2 enhancer GRCh37_chr21:32738744-32739943; plus strand), LOC129391243 (MPRA-validated peak4402 silencer; plus strand) and 2 more. Cytogenetic location: 21q22.11.
Variant type: copy number loss.
Change: copy number 1 (one copy instead of two) of chr21:31,152,676-31,547,770 (395.1 kb, GRCh38 coordinates, 1-based), cytogenetic band 21q22.11.
Identifiers: ClinVar variation 59980 (VCV000059980.1).